The following is an entry in ClinVar:

ClinVar aggregate classification (germline): Uncertain significance (1 of 4 stars; one submission).

Submission:

Ambry Genetics
Classification: Uncertain significance. Last evaluated: 2024-03-14. Review status: criteria provided, single submitter. Criteria: Ambry Variant Classification Scheme 2023. Collection method: clinical testing. Allele origin: germline.
Comment: The p.L2215V variant (also known as c.6643T>G), located in coding exon 50 of the PRKDC gene, results from a T to G substitution at nucleotide position 6643. The leucine at codon 2215 is replaced by valine, an amino acid with highly similar properties. This amino acid position is conserved. In addition, the in silico prediction for this alteration is inconclusive. Based on the available evidence, the clinical significance of this alteration remains unclear.

NM_006904.7(PRKDC):c.6643T>G (p.Leu2215Val)

Gene: PRKDC (protein kinase, DNA-activated, catalytic subunit; minus strand). Cytogenetic location: 8q11.21.
Variant type: single nucleotide variant.
Coding change: c.6643T>G on transcript NM_006904.7 (MANE Select); coding-DNA position 6643, T replaced by G.
Protein change: p.Leu2215Val; replaces leucine 2215 with valine.
Molecular consequence: missense variant.
Genome position (GRCh38, 1-based): chr8:47,855,340, A>C on the plus strand (T>G on the coding strand, the complement: PRKDC is on the minus strand). VCF-style: chr8-47855340-A-C. GRCh37 (hg19) VCF-style: chr8-48767901-A-C.
Other names: c.6643T>G, p.Leu2215Val (NM_001081640.2); short protein forms L2215V.
Identifiers: ClinVar variation 3225892 (VCV003225892.1), dbSNP rs1324002014, ClinGen allele CA371159665.